The following is an entry in ClinVar:

ClinVar aggregate classification (germline): Uncertain significance. Review status: criteria provided, multiple submitters, no conflicts (2 of 4 stars). 3 submissions from 3 submitters: Uncertain significance (3). Last evaluated 2025-08-04.

Conditions:
Hereditary cancer-predisposing syndrome. Also called: Hereditary Cancer Syndrome; Tumor predisposition; Hereditary neoplastic syndrome; Neoplastic Syndromes, Hereditary. Identifiers: Orphanet 140162, MedGen C0027672, MeSH D009386, MONDO:0015356.

Allele frequency attached by ClinVar (database versions not stated): gnomAD exomes below 0.00001; TOPMed 0.00001.

Submissions (3):

Ambry Genetics
Classification: Uncertain significance for Hereditary cancer-predisposing syndrome. Last evaluated: 2025-08-04. Review status: criteria provided, single submitter. Criteria: Ambry Variant Classification Scheme 2023. Collection method: clinical testing. Allele origin: germline.

Quest Diagnostics Nichols Institute San Juan Capistrano
Classification: Uncertain significance. Last evaluated: 2023-05-02. Review status: criteria provided, single submitter. Criteria: Quest Diagnostics criteria. Collection method: clinical testing. Allele origin: unknown.
Comment: The variant has not been reported in the published literature. The frequency of this variant in the general population, 0.000004 (1/251380 chromosomes), is uninformative in assessment of its pathogenicity. Analysis of this variant using bioinformatics tools for the prediction of the effect of amino acid changes on protein structure and function yielded predictions that this variant is benign. Based on the available information, we are unable to determine the clinical significance of this variant.

Labcorp Genetics (formerly Invitae), Labcorp
Classification: Uncertain significance. Last evaluated: 2017-03-08. Review status: criteria provided, single submitter. Criteria: Invitae Variant Classification Sherloc (09022015). Collection method: clinical testing. Allele origin: germline.
Comment: This sequence change replaces alanine with valine at codon 212 of the XRCC2 protein (p.Ala212Val). The alanine residue is moderately conserved and there is a small physicochemical difference between alanine and valine. In summary, this variant is a novel missense change that is not predicted to affect protein function. There is no indication that it causes disease, but the available evidence is currently insufficient to prove that conclusively. Therefore, it has been classified as a Variant of Uncertain Significance. Algorithms developed to predict the effect of missense changes on protein structure and function (SIFT, PolyPhen-2, Align-GVGD) all suggest that this variant is likely to be tolerated, but these predictions have not been confirmed by published functional studies. This variant is not present in population databases (ExAC no frequency) and has not been reported in the literature in individuals with a XRCC2-related disease.

NM_005431.2(XRCC2):c.635C>T (p.Ala212Val)

Gene: XRCC2 (X-ray repair cross complementing 2; minus strand). Cytogenetic location: 7q36.1.
Variant type: single nucleotide variant.
Coding change: c.635C>T on transcript NM_005431.2 (MANE Select); coding-DNA position 635, C replaced by T.
Protein change: p.Ala212Val; replaces alanine 212 with valine.
Molecular consequence: missense variant.
Genome position (GRCh38, 1-based): chr7:152,648,850, G>A on the plus strand (C>T on the coding strand, the complement: XRCC2 is on the minus strand). VCF-style: chr7-152648850-G-A. GRCh37 (hg19) VCF-style: chr7-152345935-G-A.
Other names: c.635C>T (NM_005431.1); short protein forms A212V.
Identifiers: ClinVar variation 1040449 (VCV001040449.12), dbSNP rs756194404, ClinGen allele CA370198272.
Genomic context (GRCh38, chr7:152,648,850, plus strand): 5'-TGCCATGCCTTACAGAGATAAGGTCTGTAGTCTATGTCCACATCACACAGTCGTCGAGAG[G>A]CATGAGAAGGTTCTTCTGATGAGCTCGAGGCTTTCTGCATTATAGTTTGTGTCGTTGCAA-3'
Protein context (NP_005422.1, residues 202-222): ASSSSEEPSH[Ala212Val]SRRLCDVDID